The following is an entry in ClinVar:

ClinVar aggregate classification (germline): Uncertain significance (1 of 4 stars; one submission).

Conditions:
Bardet-Biedl syndrome (BBS). Identifiers: Orphanet 110, MedGen C0752166, MONDO:0015229.

Submission:

Labcorp Genetics (formerly Invitae), Labcorp
Classification: Uncertain significance for Bardet-Biedl syndrome. Last evaluated: 2022-01-03. Review status: criteria provided, single submitter. Criteria: Invitae Variant Classification Sherloc (09022015). Collection method: clinical testing. Allele origin: germline.
Comment: This sequence change replaces proline, which is neutral and non-polar, with threonine, which is neutral and polar, at codon 691 of the BBS9 protein (p.Pro691Thr). Information on the frequency of this variant in the gnomAD database is not available, as this variant may be reported differently in the database. This variant has not been reported in the literature in individuals affected with BBS9-related conditions. Experimental studies and prediction algorithms are not available or were not evaluated, and the functional significance of this variant is currently unknown. In summary, the available evidence is currently insufficient to determine the role of this variant in disease. Therefore, it has been classified as a Variant of Uncertain Significance.

NM_198428.3(BBS9):c.2070_2071delinsTA (p.Pro691Thr)

Gene: BBS9 (Bardet-Biedl syndrome 9; plus strand). Cytogenetic location: 7p14.3.
Variant type: Indel.
Coding change: c.2070_2071delinsTA on transcript NM_198428.3 (MANE Select); coding-DNA positions 2070 to 2071, CC replaced by TA.
Protein change: p.Pro691Thr; replaces proline 691 with threonine.
Molecular consequence: missense variant. On other transcripts: non-coding transcript variant (3).
Genome position (GRCh38, 1-based): chr7:33,388,099-33,388,100, CC replaced by TA. VCF-style: chr7-33388099-CC-TA. GRCh37 (hg19) VCF-style: chr7-33427711-CC-TA.
Other names: c.1935_1936delinsTA, p.Pro646Thr (NM_001348042.3); c.2070_2071delinsTA, p.Pro691Thr (NM_001348043.3, NM_001362679.1, NM_001348036.1 and 1 more transcripts); c.1599_1600delinsTA, p.Pro534Thr (NM_001348044.3); c.1704_1705delinsTA, p.Pro569Thr (NM_001348045.3, NM_001348046.3, NM_001348037.3); c.2070_2071delCCinsTA, p.Pro691Thr (NM_001412127.2, NM_001412128.2); c.1965_1966delinsTA, p.Pro656Thr (NM_001033604.2); c.2055_2056delinsTA, p.Pro686Thr (NM_001033605.2); c.1797_1798delinsTA, p.Pro600Thr (NM_001348038.3); and 2 more; short protein forms P534T, P569T, P600T, P646T, P651T, P565T, P686T, P691T.
Identifiers: ClinVar variation 2072203 (VCV002072203.3), dbSNP rs2536370137, ClinGen allele CA2580077128.